The following is an entry in ClinVar:

NM_001378457.1(DMXL2):c.1210A>G (p.Thr404Ala)

Gene: DMXL2 (Dmx like 2; minus strand). Cytogenetic location: 15q21.2.
Variant type: single nucleotide variant.
Coding change: c.1210A>G on transcript NM_001378457.1 (MANE Select); coding-DNA position 1210, A replaced by G.
Protein change: p.Thr404Ala; replaces threonine 404 with alanine.
Molecular consequence: missense variant. On other transcripts: non-coding transcript variant (2), intron variant (1).
Genome position (GRCh38, 1-based): chr15:51,538,348, T>C on the plus strand (A>G on the coding strand, the complement: DMXL2 is on the minus strand). VCF-style: chr15-51538348-T-C. GRCh37 (hg19) VCF-style: chr15-51830545-T-C.
Other names: c.1210A>G, p.Thr404Ala (NM_001174116.3, NM_001174117.3, NM_001378458.1 and 6 more transcripts); c.1106-589A>G (NM_001378464.1); short protein forms T404A.
Identifiers: ClinVar variation 4687439 (VCV004687439.1).

ClinVar aggregate classification (germline): Uncertain significance (1 of 4 stars; one submission).

gnomAD v4.1: 13 of 1,613,696 alleles (0.00081%); highest among the groups gnomAD compares: South Asian, 0.0088%; 1 homozygote.

Submission:

Women's Health and Genetics/Laboratory Corporation of America, LabCorp
Classification: Uncertain significance. Last evaluated: 2025-10-08. Review status: criteria provided, single submitter. Criteria: LabCorp Variant Classification Summary - May 2015. Collection method: clinical testing. Allele origin: germline.
Comment: Variant summary: DMXL2 c.1210A>G (p.Thr404Ala) results in a non-conservative amino acid change in the encoded protein sequence. Algorithms developed to predict the effect of missense changes on protein structure and function are either unavailable or do not agree on the potential impact of this missense change. The variant allele was found at a frequency of 2.4e-05 in 250962 control chromosomes in the gnomAD database, including 1 homozygote. The available data on variant occurrences in the general population are insufficient to allow any conclusion about variant significance. To our knowledge, no occurrence of c.1210A>G in individuals affected with DMXL2-related conditions and no experimental evidence demonstrating its impact on protein function have been reported. No submitters have cited clinical-significance assessments for this variant to ClinVar. Based on the evidence outlined above, the variant was classified as uncertain significance.